The following is an entry in ClinVar:

ClinVar aggregate classification (germline): Likely benign. Review status: criteria provided, multiple submitters, no conflicts (2 of 4 stars). 2 submissions from 2 submitters: Likely benign (2). Last evaluated 2025-06-10.

Conditions:
Developmental and epileptic encephalopathy, 1 (DEE1). Also called: Epileptic encephalopathy, early infantile, 1; X-linked infantile spasms; West's syndrome; Tonic spasms with clustering, arrest of psychomotor development and hypsarrhythmia on EEG; X-Linked Infantile Spasm Syndrome; OHTAHARA SYNDROME, X-LINKED. Identifiers: MedGen C3463992, MONDO:0010632, OMIM 308350. Disease mechanism: loss of function.
Autosomal dominant nonsyndromic hearing loss 65. Also called: TBC1D24-Related Autosomal Dominant Nonsyndromic Hearing Loss (DFNA); Deafness, autosomal dominant 65. Identifiers: Orphanet 90635, MedGen C3892048, MONDO:0014470, OMIM 616044.

Allele frequency attached by ClinVar (database versions not stated): gnomAD 0.00002; TOPMed 0.00005; gnomAD exomes 0.00002 and 0.00001; ExAC 0.00003.
gnomAD v4.1: 9 of 1,613,372 alleles (0.00056%); highest among the groups gnomAD compares: Admixed American, 0.0083%; no homozygotes.

Submissions (2):

Labcorp Genetics (formerly Invitae), Labcorp
Classification: Likely benign for Developmental and epileptic encephalopathy, 1; Autosomal dominant nonsyndromic hearing loss 65. Last evaluated: 2025-06-10. Review status: criteria provided, single submitter. Criteria: Invitae Variant Classification Sherloc (09022015). Collection method: clinical testing. Allele origin: germline.

Laboratory for Molecular Medicine, Mass General Brigham Personalized Medicine
Classification: Likely benign. Last evaluated: 2016-03-31. Review status: criteria provided, single submitter. Criteria: LMM Criteria. Collection method: clinical testing. Allele origin: germline. Observed: 1 variant allele.
Comment: p.Ala71Ala in exon 2 of TBC1D24: This variant is not expected to have clinical s ignificance because it does not alter an amino acid residue and is not located w ithin the splice consensus sequence. It has been identified in 3/9690 of African chromosomes by the Exome Aggregation Consortium (ExAC; dbSNP rs778212970).

NM_001199107.2(TBC1D24):c.213C>T (p.Ala71=)

Gene: TBC1D24 (TBC1 domain family member 24; plus strand). Cytogenetic location: 16p13.3.
Variant type: single nucleotide variant.
Coding change: c.213C>T on transcript NM_001199107.2 (MANE Select); coding-DNA position 213, C replaced by T.
Protein change: p.Ala71=; no amino-acid change (alanine 71 retained).
Molecular consequence: synonymous variant.
Genome position (GRCh38, 1-based): chr16:2,496,361, C>T. VCF-style: chr16-2496361-C-T. GRCh37 (hg19) VCF-style: chr16-2546362-C-T.
Other names: c.213C>T, p.Ala71= (NM_020705.3).
Identifiers: ClinVar variation 227981 (VCV000227981.20), dbSNP rs778212970, ClinGen allele CA7843952.
Genomic context (GRCh38, chr16:2,496,361, plus strand): 5'-GGGAAAGGTGTACCAGCGCCTGATCCGGGACATTCCCTGCCGCACGGTCACGCCTGACGC[C>T]AGCGTGTACAGCGACATCGTGGGCAAGATCGTGGGCAAGCACAGCAGCAGCTGCCTGCCG-3'
Protein context (NP_001186036.1, residues 61-81): DIPCRTVTPD[Ala71=]SVYSDIVGKI